The following is an entry in ClinVar:

ClinVar aggregate classification (germline): Likely benign (1 of 4 stars; one submission).

Allele frequency attached by ClinVar (database versions not stated): gnomAD 0.00001; TOPMed 0.00002; gnomAD exomes 0.00003; ExAC 0.00005.
gnomAD v4.1: 46 of 1,580,040 alleles (0.0029%); highest among the groups gnomAD compares: Non-Finnish European, 0.0039%; no homozygotes.

Submission:

CeGaT Center for Human Genetics Tuebingen
Classification: Likely benign. Last evaluated: 2022-06-01. Review status: criteria provided, single submitter. Criteria: CeGaT Center For Human Genetics Tuebingen Variant Classification Criteria Version 2. Collection method: clinical testing. Allele origin: germline. Affected: yes. Observed: 1 variant allele.
Comment: CARS1: BP4, BP7

NM_001014437.3(CARS1):c.471T>C (p.Phe157=)

Genes: CARS1 (cysteinyl-tRNA synthetase 1; minus strand), CARS1-AS1 (CARS1 antisense RNA 1; plus strand). Cytogenetic location: 11p15.4.
Variant type: single nucleotide variant.
Coding change: c.471T>C on transcript NM_001014437.3 (MANE Select); coding-DNA position 471, T replaced by C.
Protein change: p.Phe157=; no amino-acid change (phenylalanine 157 retained).
Molecular consequence: synonymous variant. On other transcripts: 5 prime UTR variant (1), non-coding transcript variant (4).
Genome position (GRCh38, 1-based): chr11:3,039,916, A>G on the plus strand (T>C on the coding strand, the complement: CARS1 is on the minus strand). VCF-style: chr11-3039916-A-G. GRCh37 (hg19) VCF-style: chr11-3061146-A-G.
Other names: c.471T>C, p.Phe157= (NM_001194997.2); c.261T>C, p.Phe87= (NM_001378136.1); c.192T>C, p.Phe64= (NM_001378137.1, NM_001378138.1, NM_001378139.1); c.-55T>C (NM_001378140.1); c.222T>C, p.Phe74= (NM_001751.6, NM_139273.4).
Identifiers: ClinVar variation 1694630 (VCV001694630.31), dbSNP rs775915799, ClinGen allele CA5824367.